The following is an entry in ClinVar:

ClinVar aggregate classification (germline): Pathogenic. Review status: criteria provided, multiple submitters, no conflicts (2 of 4 stars). 10 submissions from 10 submitters: Pathogenic (9). 1 of the submissions does not count toward it. Last evaluated 2026-02-04.

Conditions:
F8-related disorder. Also called: F8-related condition.
Thrombophilia, X-linked, due to factor 8 defect. Also called: THROMBOPHILIA, X-LINKED, DUE TO FACTOR VIII DEFECT; Thrombophilia 13, X-linked, due to factor VIII defect. Identifiers: MedGen C5676879, MONDO:0859082, OMIM 301071.
Hereditary factor VIII deficiency disease (HEMA). Also called: AUTOSOMAL HEMOPHILIA A; Hemophilia A, congenital; HEM A; Factor 8 deficiency, congenital; Hemophilia A; HEMOPHILIA, CLASSIC. Identifiers: Orphanet 98878, MedGen C0019069, MONDO:0010602, OMIM 306700.
Hereditary factor IX deficiency disease (HEMB). Also called: Hemophilia B; PLASMA THROMBOPLASTIN COMPONENT DEFICIENCY; F9 DEFICIENCY; FACTOR IX DEFICIENCY; Christmas Disease. Identifiers: Orphanet 98879, MedGen C0008533, MeSH D002836, MONDO:0010604, OMIM 306900.

Allele frequency attached by ClinVar (database versions not stated): gnomAD exomes below 0.00001 and 0.00001; ExAC 0.00001.
gnomAD v4.1: 3 of 1,211,543 alleles (0.00025%); highest among the groups gnomAD compares: Admixed American, 0.0022%; no homozygotes.

Submissions (10):

PreventionGenetics, part of Exact Sciences
Classification: Pathogenic for F8-related condition. Last evaluated: 2026-02-04. Review status: criteria provided, single submitter. Criteria: ACMG Guidelines, 2015. Collection method: clinical testing. Allele origin: germline.
Comment: The F8 c.2167G>A variant is predicted to result in the amino acid substitution p.Ala723Thr. This variant has been reported to be causative in many individuals with mild to moderate hemophilia A (See for example, Higuchi et al. 1991. PubMed ID: 1908096; Cygan et al. 2016. PubMed ID: 27704658; Factor VIII (F8) variant database). This variant is reported in 0.0053% of alleles in individuals of South Asian descent in gnomAD. This variant is interpreted as pathogenic.

ARUP Laboratories, Molecular Genetics and Genomics, ARUP Laboratories
Classification: Pathogenic. Last evaluated: 2024-12-31. Review status: criteria provided, single submitter. Criteria: ARUP Molecular Germline Variant Investigation Process 2024. Collection method: clinical testing. Allele origin: germline.
Comment: The F8 c.2167G>A; p.Ala723Thr variant (rs137852436, ClinVar Variation ID: 10246), also known as Ala704Thr, has been reported in multiple individuals diagnosed with mild to moderate hemophilia A (see link to FVIII database and references therein, Higuchi 1991, Markoff 2009). This variant is only observed on one allele in the Genome Aggregation Database (v2.1.1), indicating it is not a common polymorphism. Computational analyses predict that this variant is deleterious (REVEL: 0.845). Additionally, other variants at this codon (c.2168C>A; p.Ala723Asp and c.2168C>T; p.Ala723Val) have been described in individuals with hemophilia A and are considered pathogenic (see link to FVIII database and references therein). Based on available information, the p.Ala723Thr variant is considered pathogenic. References: Link to Factor VIII variant database: Higuchi M et al. Molecular characterization of severe hemophilia A suggests that about half the mutations are not within the coding regions and splice junctions of the factor VIII gene. Proc Natl Acad Sci U S A. 1991 Aug 15;88(16):7405-9. PMID: 1908096 Markoff A et al. Combined homology modelling and evolutionary significance evaluation of missense mutations in blood clotting factor VIII to highlight aspects of structure and function. Haemophilia. 2009 Jul;15(4):932-41.PMID: 19473423

Women's Health and Genetics/Laboratory Corporation of America, LabCorp
Classification: Pathogenic for Hereditary factor VIII deficiency disease. Last evaluated: 2024-09-17. Review status: criteria provided, single submitter. Criteria: LabCorp Variant Classification Summary - May 2015. Collection method: clinical testing. Allele origin: germline.
Comment: Variant summary: F8 c.2167G>A (p.Ala723Thr) results in a non-conservative amino acid change in the encoded protein sequence. Five of five in-silico tools predict a damaging effect of the variant on protein function. The variant allele was found at a frequency of 5.5e-06 in 181821 control chromosomes. c.2167G>A has been reported in the literature in multiple individuals affected with mild/moderate Hemophilia A (example: Cygan_2016). These data indicate that the variant is very likely to be associated with disease. The following publication has been ascertained in the context of this evaluation (PMID: 27704658). ClinVar contains an entry for this variant (Variation ID: 10246). Based on the evidence outlined above, the variant was classified as pathogenic.

Mayo Clinic Laboratories, Mayo Clinic
Classification: Pathogenic. Last evaluated: 2024-09-04. Review status: criteria provided, single submitter. Criteria: ACMG Guidelines, 2015. Collection method: clinical testing. Allele origin: germline. Observed: 3 variant alleles.
Comment: PP1_strong, PP3, PM1, PM2, PM6, PS4_moderate

GeneDx
Classification: Pathogenic. Last evaluated: 2024-03-27. Review status: criteria provided, single submitter. Criteria: GeneDx Variant Classification Process June 2021. Collection method: clinical testing. Allele origin: germline. Affected: yes.
Comment: In silico analysis supports that this missense variant does not alter protein structure/function; This variant is associated with the following publications: (PMID: 22883072, 31064749, 27380589, 19473423, 27704658, 18691168, 8547094, 15625837, 11857744, 16972227, 24845853, 23625609, 21645180, 23711237, 11179760, 20331761, 23617593, 32224444, 25550078, 1908096, 9452104, 15921397, 29296726, 33245802, 33706050, 32897612)

3billion
Classification: Pathogenic for Hereditary factor VIII deficiency disease. Last evaluated: 2023-02-23. Review status: criteria provided, single submitter. Criteria: ACMG Guidelines, 2015. Collection method: clinical testing. Allele origin: unknown. Affected: yes.
Comment: The variant is observed at an extremely low frequency in the gnomAD v2.1.1 dataset (total allele frequency: <0.001%). The variant is located in a mutational hot spot and/or well-established functional domain in which established pathogenic variants have been reported. In silico tool predictions suggest damaging effect of the variant on gene or gene product (REVEL: 0.84; 3Cnet: 0.63). Same nucleotide change resulting in same amino acid change has been previously reported as pathogenic/likely pathogenic with strong evidence (ClinVar ID: VCV000010246 / PMID: 1908096). A different missense change at the same codon (p.Ala723Val) has been reported to be associated with F8 related disorder (PMID: 25854144). Therefore, this variant is classified as Pathogenic according to the recommendation of ACMG/AMP guideline.

Fulgent Genetics
Classification: Pathogenic for Thrombophilia, X-linked, due to factor 8 defect; Hereditary factor VIII deficiency disease. Last evaluated: 2022-04-07. Review status: criteria provided, single submitter. Criteria: ACMG Guidelines, 2015. Collection method: clinical testing. Allele origin: unknown.

Illumina Laboratory Services, Illumina
Classification: Pathogenic for Hereditary factor VIII deficiency disease. Last evaluated: 2019-06-25. Review status: criteria provided, single submitter. Criteria: ICSLVariantClassificationCriteria RUGD 01 April 2020. Collection method: clinical testing. Allele origin: unknown.
Comment: The F8 c.2167G>A (p.Ala723Thr) variant, which was also previously referred to as p.Ala704Thr, is a missense variant. Across a selection of the available literature, it has been identified in at least four unrelated individuals with mild-to-moderate hemophilia A (Higuchi et al. 1991; Antonarakis et al. 1995; Inaba et al. 2013). For three cases, factor VIII activity was reported as falling within 2-29%. In the fourth case, the lowest FVIII:C level was recorded clinically was 0.034 IU/mL. This variant is reported at a frequency of 0.000053 in the South Asian population of the Genome Aggregation Database, where it is found on a single hemizygous allele. Coverage of this genomic region is good, suggesting the variant is rare. In addition, multiple in silico algorithms predict the variant, which is located in the F5/8 type A2 domain, to have a deleterious effect. Based on this evidence and application of the ACMG criteria, the p.Ala723Thr variant is classified as pathogenic for hemophilia A, FVIII deficiency.

NIHR Bioresource Rare Diseases, University of Cambridge
Classification: Pathogenic for Hereditary factor IX deficiency disease. Last evaluated: 2019-02-01. Review status: criteria provided, single submitter. Criteria: ACMG Guidelines, 2015. Collection method: research. Allele origin: unknown. Affected: yes. Observed: 1 hemizygote. Study: ThromboGenomics.

OMIM
Classification: Pathogenic for HEMOPHILIA A. Last evaluated: 1995-01-01. Review status: no assertion criteria provided. Collection method: literature only. Allele origin: germline. Not counted in ClinVar's aggregate classification.

Literature cited by the submitters: PubMed 27704658 (cited by Women's Health and Genetics/Laboratory Corporation of America, LabCorp and Mayo Clinic Laboratories, Mayo Clinic); PubMed 1908096 (cited by 4 submitters); PubMed 19473423 (cited by Mayo Clinic Laboratories, Mayo Clinic); PubMed 23625609 (cited by Mayo Clinic Laboratories, Mayo Clinic and Illumina Laboratory Services, Illumina); PubMed 23711237 (cited by Mayo Clinic Laboratories, Mayo Clinic); PubMed 27380589 (cited by Mayo Clinic Laboratories, Mayo Clinic); PubMed 32166871 (cited by Mayo Clinic Laboratories, Mayo Clinic); PubMed 32224444 (cited by Mayo Clinic Laboratories, Mayo Clinic); PubMed 37711502 (cited by Mayo Clinic Laboratories, Mayo Clinic); PubMed 39125936 (cited by Mayo Clinic Laboratories, Mayo Clinic); PubMed 7728145 (cited by 3 submitters); PubMed 25854144 (cited by 3billion); PubMed 31064749 (cited by NIHR Bioresource Rare Diseases, University of Cambridge).

NM_000132.4(F8):c.2167G>A (p.Ala723Thr)

Gene: F8 (coagulation factor VIII; minus strand). Cytogenetic location: Xq28.
Variant type: single nucleotide variant.
Coding change: c.2167G>A on transcript NM_000132.4 (MANE Select); coding-DNA position 2167, G replaced by A.
Protein change: p.Ala723Thr; replaces alanine 723 with threonine.
Molecular consequence: missense variant.
Genome position (GRCh38, 1-based): chrX:154,931,623, C>T on the plus strand (G>A on the coding strand, the complement: F8 is on the minus strand). VCF-style: chrX-154931623-C-T. GRCh37 (hg19) VCF-style: chrX-154159898-C-T.
Other names: F8, ALA704THR; A704T; short protein forms A723T.
Identifiers: ClinVar variation 10246 (VCV000010246.28), dbSNP rs137852436, ClinGen allele CA255138.
Genomic context (GRCh38, chrX:154,931,623, plus strand): 5'-CATAACTGTCCTCGTAATAATCACCAGTGTTCTTGTCACAACTAGAAACCTTCAGTAAGG[C>T]GGTCATGCCTCTGTTCCGAAAGTCTGAGTTGTGGCACCCCAGAATCCATAGACCTGGAGA-3'
Protein context (NP_000123.1, residues 713-733): NSDFRNRGMT[Ala723Thr]LLKVSSCDKN